The following is an entry in ClinVar:

NM_002230.4(JUP):c.476T>C (p.Val159Ala)

Gene: JUP (junction plakoglobin; minus strand). Cytogenetic location: 17q21.2.
Variant type: single nucleotide variant.
Coding change: c.476T>C on transcript NM_002230.4 (MANE Select); coding-DNA position 476, T replaced by C.
Protein change: p.Val159Ala; replaces valine 159 with alanine.
Molecular consequence: missense variant.
Genome position (GRCh38, 1-based): chr17:41,769,200, A>G on the plus strand (T>C on the coding strand, the complement: JUP is on the minus strand). VCF-style: chr17-41769200-A-G. GRCh37 (hg19) VCF-style: chr17-39925452-A-G.
Other names: c.476T>C, p.Val159Ala (NM_001352773.2, NM_001352774.2, NM_001352775.2 and 3 more transcripts); short protein forms V159A.
Identifiers: ClinVar variation 1742961 (VCV001742961.6), dbSNP rs1337881483, ClinGen allele CA399503649.

ClinVar aggregate classification (germline): Uncertain significance. Review status: criteria provided, multiple submitters, no conflicts (2 of 4 stars). 4 submissions from 4 submitters: Uncertain significance (4). Last evaluated 2025-10-29.

Conditions:
Arrhythmogenic right ventricular dysplasia 12. Also called: ARRHYTHMOGENIC RIGHT VENTRICULAR DYSPLASIA, FAMILIAL, 12. Identifiers: MedGen C1969081, MONDO:0012684, OMIM 611528.
Naxos disease (NXD). Also called: KERATOSIS PALMOPLANTARIS WITH ARRHYTHMOGENIC CARDIOMYOPATHY; MAL DE NAXOS; PALMOPLANTAR KERATODERMA WITH ARRHYTHMOGENIC RIGHT VENTRICULAR CARDIOMYOPATHY AND WOOLLY HAIR; WOOLLY HAIR, PALMOPLANTAR KERATODERMA, AND CARDIAC ABNORMALITIES; CARDIOMYOPATHY, ARRHYTHMOGENIC RIGHT VENTRICULAR, WITH SKIN, HAIR, AND NAIL ABNORMALITIES. Identifiers: Orphanet 34217, MedGen C1832600, MONDO:0011017, OMIM 601214.
Cardiovascular phenotype. Identifiers: MedGen CN230736.

Allele frequency attached by ClinVar (database versions not stated): gnomAD 0.00001; gnomAD exomes 0.00001; TOPMed 0.00002.
gnomAD v4.1: 17 of 1,600,354 alleles (0.0011%); highest among the groups gnomAD compares: Non-Finnish European, 0.0014%; no homozygotes.

Submissions (4):

Labcorp Genetics (formerly Invitae), Labcorp
Classification: Uncertain significance for Arrhythmogenic right ventricular dysplasia 12; Naxos disease. Last evaluated: 2025-10-29. Review status: criteria provided, single submitter. Criteria: Invitae Variant Classification Sherloc (09022015). Collection method: clinical testing. Allele origin: germline.
Comment: This sequence change replaces valine, which is neutral and non-polar, with alanine, which is neutral and non-polar, at codon 159 of the JUP protein (p.Val159Ala). This variant is present in population databases (no rsID available, gnomAD 0.0009%). This variant has not been reported in the literature in individuals affected with JUP-related conditions. ClinVar contains an entry for this variant (Variation ID: 1742961). An algorithm developed to predict the effect of missense changes on protein structure and function (PolyPhen-2) suggests that this variant is likely to be disruptive. In summary, the available evidence is currently insufficient to determine the role of this variant in disease. Therefore, it has been classified as a Variant of Uncertain Significance.

Ambry Genetics
Classification: Uncertain significance for Cardiovascular phenotype. Last evaluated: 2025-06-12. Review status: criteria provided, single submitter. Criteria: Ambry Variant Classification Scheme 2023. Collection method: clinical testing. Allele origin: germline.

Fulgent Genetics
Classification: Uncertain significance for Naxos disease; Arrhythmogenic right ventricular dysplasia 12. Last evaluated: 2024-04-30. Review status: criteria provided, single submitter. Criteria: ACMG Guidelines, 2015. Collection method: clinical testing. Allele origin: germline.

Blueprint Genetics
Classification: Uncertain significance. Last evaluated: 2017-08-28. Review status: criteria provided, single submitter. Criteria: ACMG Guidelines, 2015. Collection method: clinical testing. Allele origin: germline.